The following is an entry in ClinVar:

ClinVar aggregate classification (germline): Conflicting classifications of pathogenicity. Review status: criteria provided, conflicting classifications (1 of 4 stars). 4 submissions from 4 submitters: Uncertain significance (2); Likely benign (2). Last evaluated 2026-03-06.

Conditions:
Retinoblastoma (RB1). Also called: RETINOBLASTOMA, SOMATIC. Identifiers: Orphanet 790, MedGen C0035335, MeSH D012175, MONDO:0008380, OMIM 180200, HP:0009919. Disease mechanism: loss of function. Inheritance: Both sporadic and heritable forms are tested..
Hereditary cancer-predisposing syndrome. Also called: Tumor predisposition; Neoplastic Syndromes, Hereditary; Hereditary Cancer Syndrome; Hereditary neoplastic syndrome. Identifiers: Orphanet 140162, MedGen C0027672, MeSH D009386, MONDO:0015356.

Allele frequency attached by ClinVar (database versions not stated): gnomAD exomes below 0.00001; gnomAD 0.00001 and 0.00002; TOPMed 0.00001; ESP Exome Variant Server 0.00008; 1000 Genomes Project 30x 0.00016; 1000 Genomes Project 0.00020.
gnomAD v4.1: 6 of 1,613,566 alleles (0.00037%); highest among the groups gnomAD compares: East Asian, 0.0022%; no homozygotes.

Submissions (4):

Ambry Genetics
Classification: Likely benign for Hereditary cancer-predisposing syndrome. Last evaluated: 2026-03-06. Review status: criteria provided, single submitter. Criteria: Ambry Variant Classification Scheme 2023. Collection method: clinical testing. Allele origin: germline.

Labcorp Genetics (formerly Invitae), Labcorp
Classification: Likely benign for Retinoblastoma. Last evaluated: 2026-02-03. Review status: criteria provided, single submitter. Criteria: Invitae Variant Classification Sherloc (09022015). Collection method: clinical testing. Allele origin: germline.

All of Us Research Program, National Institutes of Health
Classification: Uncertain significance for Retinoblastoma. Last evaluated: 2023-12-01. Review status: criteria provided, single submitter. Criteria: ACMG Guidelines, 2015. Collection method: clinical testing. Allele origin: germline. Inheritance: Autosomal dominant inheritance. Observed: 5 variant alleles, 5 heterozygotes.
Comment: This missense variant replaces arginine with glutamine at codon 552 of the RB1 protein. Computational prediction suggests that this variant may not impact protein structure and function (internally defined REVEL score threshold <= 0.5, PMID: 27666373). To our knowledge, functional studies have not been reported for this variant. This variant has not been reported in individuals affected with RB1-related disorders in the literature. This variant has been identified in 1/250472 chromosomes in the general population by the Genome Aggregation Database (gnomAD). The available evidence is insufficient to determine the role of this variant in disease conclusively. Therefore, this variant is classified as a Variant of Uncertain Significance.

This study involves interpretation of variants in research participants for the purpose of population health screening. Participant phenotype was not available at the time of variant classification. Additional details can be found in publication PMID: 35346344, PMCID: PMC8962531

Sema4
Classification: Uncertain significance for Hereditary cancer-predisposing syndrome. Last evaluated: 2021-04-30. Review status: criteria provided, single submitter. Criteria: Sema4 Curation Guidelines. Collection method: curation. Allele origin: germline.
Comment: To the best of our knowledge, the RB1 c.1655G>A (p.R552Q) variant has not been reported in individuals with RB1-related disease. This variant was observed in 1/34472 chromosomes in the Latino population according to the Genome Aggregation Database (PMID: 32461654) and has been reported in ClinVar (Variation ID: 800185). In silico tools suggest the impact of the variant on protein function is inconclusive, though these predictions have not been confirmed by functional studies. Based on the current evidence available, this variant is interpreted as a variant of uncertain significance.

NM_000321.3(RB1):c.1655G>A (p.Arg552Gln)

Gene: RB1 (RB transcriptional corepressor 1; plus strand). Cytogenetic location: 13q14.2.
Variant type: single nucleotide variant.
Coding change: c.1655G>A on transcript NM_000321.3 (MANE Select); coding-DNA position 1655, G replaced by A.
Protein change: p.Arg552Gln; replaces arginine 552 with glutamine.
Molecular consequence: missense variant.
Genome position (GRCh38, 1-based): chr13:48,381,403, G>A. VCF-style: chr13-48381403-G-A. GRCh37 (hg19) VCF-style: chr13-48955539-G-A.
Other names: short protein forms R552Q.
Identifiers: ClinVar variation 800185 (VCV000800185.17), dbSNP rs146236493, ClinGen allele CA249282003.